The following is an entry in ClinVar:

ClinVar aggregate classification (germline): Pathogenic (1 of 4 stars; one submission).

Conditions:
Glycogen storage disease type III (GSD3). Also called: FORBES DISEASE; Cori disease. Identifiers: Orphanet 366, MedGen C0017922, MONDO:0009291, OMIM 232400.

Submission:

Centre for Human Genetics
Classification: Pathogenic for Glycogen storage disease type III. Last evaluated: 2017-04-17. Review status: criteria provided, single submitter. Criteria: ACMG Guidelines, 2015. Collection method: clinical testing. Allele origin: inherited. Inheritance: Autosomal recessive inheritance. Affected: yes. Observed: 1 variant allele.
Comment: disease causing

NM_000642.3(AGL):c.2497C>T (p.Gln833Ter)

Gene: AGL (amylo-alpha-1,6-glucosidase and 4-alpha-glucanotransferase; plus strand). Cytogenetic location: 1p21.2.
Variant type: single nucleotide variant.
Coding change: c.2497C>T on transcript NM_000642.3 (MANE Select); coding-DNA position 2497, C replaced by T.
Protein change: p.Gln833Ter; replaces glutamine 833 with a stop codon.
Molecular consequence: nonsense.
Genome position (GRCh38, 1-based): chr1:99,884,402, C>T. VCF-style: chr1-99884402-C-T. GRCh37 (hg19) VCF-style: chr1-100349958-C-T.
Other names: c.2497C>T, p.Gln833Ter (NM_000028.3, NM_000643.3, NM_000644.3 and 2 more transcripts); c.2449C>T, p.Gln817Ter (NM_000646.3); c.2296C>T, p.Gln766Ter (NM_001425327.1); c.2293C>T, p.Gln765Ter (NM_001425328.1, NM_001425329.1); c.2119C>T, p.Gln707Ter (NM_001425332.1); short protein forms Q817*, Q833*, Q707*, Q765*, Q766*.
Identifiers: ClinVar variation 998099 (VCV000998099.1), dbSNP rs757870729, ClinGen allele CA341321252.